The following is an entry in ClinVar:

NM_003742.4(ABCB11):c.3383G>T (p.Arg1128Leu)

Gene: ABCB11 (ATP binding cassette subfamily B member 11; minus strand). Cytogenetic location: 2q31.1.
Variant type: single nucleotide variant.
Coding change: c.3383G>T on transcript NM_003742.4 (MANE Select); coding-DNA position 3383, G replaced by T.
Protein change: p.Arg1128Leu; replaces arginine 1128 with leucine.
Molecular consequence: missense variant.
Genome position (GRCh38, 1-based): chr2:168,930,693, C>A on the plus strand (G>T on the coding strand, the complement: ABCB11 is on the minus strand). VCF-style: chr2-168930693-C-A. GRCh37 (hg19) VCF-style: chr2-169787203-C-A.
Other names: short protein forms R1128L.
Identifiers: ClinVar variation 3339187 (VCV003339187.1).
Genomic context (GRCh38, chr2:168,930,693, plus strand): 5'-GGCAAAATTCTCAAAAAGGTTGCGTGGCTTACCACCTTCCCTTGATCAGGATCATAGAAA[C>A]GTTCCAACAGCTGAATGCTAGTGCTTTTGCCACATCCACTGCTCCCAACAAACGCCAGTG-3'
Protein context (NP_003733.2, residues 1118-1138): GKSTSIQLLE[Arg1128Leu]FYDPDQGKVM

ClinVar aggregate classification (germline): Uncertain significance (1 of 4 stars; one submission).

Submission:

Women's Health and Genetics/Laboratory Corporation of America, LabCorp
Classification: Uncertain significance. Last evaluated: 2024-07-02. Review status: criteria provided, single submitter. Criteria: LabCorp Variant Classification Summary - May 2015. Collection method: clinical testing. Allele origin: germline.
Comment: Variant summary: ABCB11 c.3383G>T (p.Arg1128Leu) results in a non-conservative amino acid change located in the ABC transporter-like, ATP-binding domain (IPR003439) of the encoded protein sequence. Five of five in-silico tools predict a damaging effect of the variant on protein function. The variant was absent in 237314 control chromosomes (gnomAD). The available data on variant occurrences in the general population are insufficient to allow any conclusion about variant significance. To our knowledge, no occurrence of c.3383G>T in individuals affected with Familial Intrahepatic Cholestasis and no experimental evidence demonstrating its impact on protein function have been reported. No submitters have cited clinical-significance assessments for this variant to ClinVar. Based on the evidence outlined above, the variant was classified as uncertain significance.